The following is an entry in ClinVar:

ClinVar aggregate classification (germline): Uncertain significance (1 of 4 stars; one submission).

Conditions:
Hereditary cancer-predisposing syndrome. Also called: Neoplastic Syndromes, Hereditary; Tumor predisposition; Hereditary Cancer Syndrome; Hereditary neoplastic syndrome. Identifiers: Orphanet 140162, MedGen C0027672, MeSH D009386, MONDO:0015356.

Allele frequency attached by ClinVar (database versions not stated): gnomAD 0.00001.

Submission:

Ambry Genetics
Classification: Uncertain significance for Hereditary cancer-predisposing syndrome. Last evaluated: 2025-03-14. Review status: criteria provided, single submitter. Criteria: Ambry Variant Classification Scheme 2023. Collection method: clinical testing. Allele origin: germline.
Comment: The c.-3G>A variant is located in the 5' untranslated region (5&rsquo; UTR) of the SDHA gene. This variant results from a G to A substitution 3 bases upstream from the first translated codon. This nucleotide position is well conserved in available vertebrate species. Based on the available evidence, the clinical significance of this variant remains unclear.

NM_004168.4(SDHA):c.-3G>A

Gene: SDHA (succinate dehydrogenase complex flavoprotein subunit A; plus strand). Cytogenetic location: 5p15.33.
Variant type: single nucleotide variant.
Coding change: c.-3G>A on transcript NM_004168.4 (MANE Select); 3 bases upstream of the start codon, G replaced by A.
Molecular consequence: 5 prime UTR variant.
Genome position (GRCh38, 1-based): chr5:218,353, G>A. VCF-style: chr5-218353-G-A. GRCh37 (hg19) VCF-style: chr5-218468-G-A.
Other names: c.-3G>A (NM_001294332.2, NM_001330758.2).
Identifiers: ClinVar variation 1736905 (VCV001736905.3), dbSNP rs1553996340, ClinGen allele CA1072363362.